The following is an entry in ClinVar:

NM_018136.5(ASPM):c.9186T>C (p.Tyr3062=)

Gene: ASPM (assembly factor for spindle microtubules; minus strand). Cytogenetic location: 1q31.3.
Variant type: single nucleotide variant.
Coding change: c.9186T>C on transcript NM_018136.5 (MANE Select); coding-DNA position 9186, T replaced by C.
Protein change: p.Tyr3062=; no amino-acid change (tyrosine 3062 retained).
Molecular consequence: synonymous variant.
Genome position (GRCh38, 1-based): chr1:197,093,160, A>G on the plus strand (T>C on the coding strand, the complement: ASPM is on the minus strand). VCF-style: chr1-197093160-A-G. GRCh37 (hg19) VCF-style: chr1-197062290-A-G.
Other names: c.4431T>C, p.Tyr1477= (NM_001206846.2).
Identifiers: ClinVar variation 509213 (VCV000509213.1), dbSNP rs1553326470, ClinGen allele CA422673100.

ClinVar aggregate classification (germline): Likely benign (1 of 4 stars; one submission).

Submission:

GeneDx
Classification: Likely benign. Last evaluated: 2017-04-24. Review status: criteria provided, single submitter. Criteria: GeneDx Variant Classification (06012015). Collection method: clinical testing. Allele origin: germline. Affected: yes.
Comment: This variant is considered likely benign or benign based on one or more of the following criteria: it is a conservative change, it occurs at a poorly conserved position in the protein, it is predicted to be benign by multiple in silico algorithms, and/or has population frequency not consistent with disease.